The following is an entry in ClinVar:

ClinVar aggregate classification (germline): Uncertain significance. Review status: criteria provided, multiple submitters, no conflicts (2 of 4 stars). 2 submissions from 2 submitters: Uncertain significance (2). Last evaluated 2022-07-28.

Conditions:
Hereditary cancer-predisposing syndrome. Also called: Hereditary neoplastic syndrome; Tumor predisposition; Hereditary Cancer Syndrome; Neoplastic Syndromes, Hereditary. Identifiers: Orphanet 140162, MedGen C0027672, MeSH D009386, MONDO:0015356.

gnomAD v4.1: 2 of 1,613,896 alleles (0.00012%); highest among the groups gnomAD compares: Non-Finnish European, 0.00017%; no homozygotes.

Submissions (2):

Ambry Genetics
Classification: Uncertain significance for Hereditary cancer-predisposing syndrome. Last evaluated: 2022-07-28. Review status: criteria provided, single submitter. Criteria: Ambry Variant Classification Scheme 2023. Collection method: clinical testing. Allele origin: germline.
Comment: The p.K230N variant (also known as c.690A>C), located in coding exon 7 of the EPCAM gene, results from an A to C substitution at nucleotide position 690. The lysine at codon 230 is replaced by asparagine, an amino acid with similar properties. This amino acid position is conserved. In addition, this alteration is predicted to be tolerated by in silico analysis. Since supporting evidence is limited at this time, the clinical significance of this alteration remains unclear.

Labcorp Genetics (formerly Invitae), Labcorp
Classification: Uncertain significance. Last evaluated: 2015-09-19. Review status: criteria provided, single submitter. Criteria: Invitae Variant Classification Sherloc (09022015). Collection method: clinical testing. Allele origin: germline.
Comment: Algorithms developed to predict the effect of missense changes on protein structure and function (SIFT, PolyPhen-2, Align-GVGD) all suggest that this variant is likely to be tolerated, but these predictions have not been confirmed by published functional studies. Furthermore, The asparagine amino acid residue is found in multiple mammalian species, suggesting that this missense change does not adversely affect protein function. In summary, this is a novel missense change that is not predicted to affect protein function or cause disease. However the evidence is insufficient at this time to prove that conclusively. It has been classified as a Variant of Uncertain Significance. This variant is not present in population databases and has not been reported in the literature. This sequence change replaces lysine with asparagine at codon 230 of the EPCAM protein (p.Lys230Asn). The lysine residue is moderately conserved and there is a moderate physicochemical difference between lysine and asparagine.

NM_002354.3(EPCAM):c.690A>C (p.Lys230Asn)

Gene: EPCAM (epithelial cell adhesion molecule; plus strand). Cytogenetic location: 2p21.
Variant type: single nucleotide variant.
Coding change: c.690A>C on transcript NM_002354.3 (MANE Select); coding-DNA position 690, A replaced by C.
Protein change: p.Lys230Asn; replaces lysine 230 with asparagine.
Molecular consequence: missense variant.
Genome position (GRCh38, 1-based): chr2:47,379,801, A>C. VCF-style: chr2-47379801-A-C. GRCh37 (hg19) VCF-style: chr2-47606940-A-C.
Other names: short protein forms K230N.
Identifiers: ClinVar variation 220291 (VCV000220291.9), dbSNP rs864622463, ClinGen allele CA348150.